The following is an entry in ClinVar:

ClinVar aggregate classification (germline): Conflicting classifications of pathogenicity. Review status: criteria provided, conflicting classifications (1 of 4 stars). 2 submissions from 2 submitters: Likely pathogenic (1); Uncertain significance (1). Last evaluated 2024-04-24.

Conditions:
Maple syrup urine disease type 1B (MSUD1B). Also called: MSUD type IB; MSUD type 3 (formerly); MSUD due to deficiency of e1-beta subunit of branched-chain alpha-keto acid dehydrogenase complex. Identifiers: MedGen C2930990, MONDO:0023692, OMIM 620698.

gnomAD v4.1: 2 of 1,614,108 alleles (0.00012%); highest among the groups gnomAD compares: Non-Finnish European, 0.000085%; no homozygotes.

Submissions (2):

Fulgent Genetics
Classification: Likely pathogenic for Maple syrup urine disease type 1B. Last evaluated: 2024-04-24. Review status: criteria provided, single submitter. Criteria: ACMG Guidelines, 2015. Collection method: clinical testing. Allele origin: germline.

Women's Health and Genetics/Laboratory Corporation of America, LabCorp
Classification: Uncertain significance. Last evaluated: 2024-04-21. Review status: criteria provided, single submitter. Criteria: LabCorp Variant Classification Summary - May 2015. Collection method: clinical testing. Allele origin: germline.
Comment: Variant summary: BCKDHB c.598C>G (p.Pro200Ala) results in a non-conservative amino acid change located in the Transketolase-like, pyrimidine-binding domain (IPR005475) of the encoded protein sequence. Five of five in-silico tools predict a damaging effect of the variant on protein function. The variant was absent in 251348 control chromosomes. The available data on variant occurrences in the general population are insufficient to allow any conclusion about variant significance. c.598C>G has been reported in the literature as a compound heterozygous genotype in at-least individual affected with Maple Syrup Urine Disease (MSUD) (examle, Flaschker_2007 cited in Su_2017). These data do not allow any conclusion about variant significance. To our knowledge, no experimental evidence demonstrating an impact on protein function has been reported. The following publications have been ascertained in the context of this evaluation (PMID: 17922217, 28197878). No submitters have cited clinical-significance assessments for this variant to ClinVar. Based on the evidence outlined above, the variant was classified as uncertain significance.

Literature cited by the submitters: PubMed 17922217 (cited by Women's Health and Genetics/Laboratory Corporation of America, LabCorp); PubMed 28197878 (cited by Women's Health and Genetics/Laboratory Corporation of America, LabCorp).

NM_183050.4(BCKDHB):c.598C>G (p.Pro200Ala)

Gene: BCKDHB (branched chain keto acid dehydrogenase E1 subunit beta; plus strand). Cytogenetic location: 6q14.1.
Variant type: single nucleotide variant.
Coding change: c.598C>G on transcript NM_183050.4 (MANE Select); coding-DNA position 598, C replaced by G.
Protein change: p.Pro200Ala; replaces proline 200 with alanine.
Molecular consequence: missense variant. On other transcripts: non-coding transcript variant (6).
Genome position (GRCh38, 1-based): chr6:80,168,995, C>G. VCF-style: chr6-80168995-C-G. GRCh37 (hg19) VCF-style: chr6-80878712-C-G.
Other names: c.388C>G, p.Pro130Ala (NM_001424043.1, NM_001318975.1); c.598C>G, p.Pro200Ala (NM_001424044.1, NM_001424045.1, NM_000056.5 and 8 more transcripts); short protein forms P130A, P200A.
Identifiers: ClinVar variation 3251826 (VCV003251826.2), dbSNP rs148582754.